The following is an entry in ClinVar:

ClinVar aggregate classification (germline): Uncertain significance (1 of 4 stars; one submission).

Conditions:
Emery-Dreifuss muscular dystrophy 4, autosomal dominant (EDMD4). Also called: EMERY-DREIFUSS MUSCULAR DYSTROPHY 4 WITH VARIABLE FEATURES. Identifiers: Orphanet 261, MedGen C2751807, MONDO:0013071, OMIM 612998.
Autosomal recessive ataxia, Beauce type. Also called: Spinocerebellar ataxia, autosomal recessive 8; ATAXIA, RECESSIVE, OF BEAUCE; SYNE1 Deficiency; SYNE1-Related Autosomal Recessive Cerebellar Ataxia. Identifiers: Orphanet 88644, MedGen C1853116, MONDO:0012549, OMIM 610743.

gnomAD v4.1: 2 of 1,614,096 alleles (0.00012%); highest among the groups gnomAD compares: Non-Finnish European, 0.000085%; no homozygotes.

Submission:

Labcorp Genetics (formerly Invitae), Labcorp
Classification: Uncertain significance for Emery-Dreifuss muscular dystrophy 4, autosomal dominant; Autosomal recessive ataxia, Beauce type. Last evaluated: 2025-05-26. Review status: criteria provided, single submitter. Criteria: Invitae Variant Classification Sherloc (09022015). Collection method: clinical testing. Allele origin: germline.
Comment: This sequence change replaces glutamic acid, which is acidic and polar, with aspartic acid, which is acidic and polar, at codon 8068 of the SYNE1 protein (p.Glu8068Asp). This variant is present in population databases (rs764377757, gnomAD 0.0009%). This variant has not been reported in the literature in individuals affected with SYNE1-related conditions. An algorithm developed to predict the effect of missense changes on protein structure and function (PolyPhen-2) suggests that this variant is likely to be disruptive. In summary, the available evidence is currently insufficient to determine the role of this variant in disease. Therefore, it has been classified as a Variant of Uncertain Significance.

NM_182961.4(SYNE1):c.24417G>C (p.Glu8139Asp)

Gene: SYNE1 (spectrin repeat containing nuclear envelope protein 1; minus strand). Cytogenetic location: 6q25.2.
Variant type: single nucleotide variant.
Coding change: c.24417G>C on transcript NM_182961.4 (MANE Select); coding-DNA position 24417, G replaced by C.
Protein change: p.Glu8139Asp; replaces glutamic acid 8139 with aspartic acid.
Molecular consequence: missense variant.
Genome position (GRCh38, 1-based): chr6:152,151,586, C>G on the plus strand (G>C on the coding strand, the complement: SYNE1 is on the minus strand). VCF-style: chr6-152151586-C-G. GRCh37 (hg19) VCF-style: chr6-152472721-C-G.
Other names: c.1023G>C, p.Glu341Asp (NM_001347701.2); c.882G>C, p.Glu294Asp (NM_001347702.2); c.24204G>C, p.Glu8068Asp (NM_033071.5); short protein forms E294D, E8139D, E341D, E8068D.
Identifiers: ClinVar variation 4791841 (VCV004791841.1).